The following is an entry in ClinVar:

ClinVar aggregate classification (germline): Conflicting classifications of pathogenicity. Review status: criteria provided, conflicting classifications (1 of 4 stars). 2 submissions from 2 submitters: Uncertain significance (1); Likely benign (1). Last evaluated 2025-09-18.

Conditions:
Malignant hyperthermia, susceptibility to, 5 (MHS5). Also called: CACNA1S-Related Malignant Hyperthermia Susceptibility. Identifiers: Orphanet 423, MedGen C1866077, MONDO:0011163, OMIM 601887.

Submissions (2):

Color Diagnostics, LLC DBA Color Health
Classification: Likely benign for Malignant hyperthermia, susceptibility to, 5. Last evaluated: 2025-09-18. Review status: criteria provided, single submitter. Criteria: ACMG Guidelines, 2015. Collection method: clinical testing. Allele origin: germline.

Greenwood Genetic Center Diagnostic Laboratories, Greenwood Genetic Center
Classification: Uncertain significance. Last evaluated: 2025-03-27. Review status: criteria provided, single submitter. Criteria: ACMG Guidelines, 2015. Collection method: clinical testing. Allele origin: germline.
Comment: PM2, BP4

NM_000069.3(CACNA1S):c.1191C>T (p.Ser397=)

Gene: CACNA1S (calcium voltage-gated channel subunit alpha1 S; minus strand). Cytogenetic location: 1q32.1.
Variant type: single nucleotide variant.
Coding change: c.1191C>T on transcript NM_000069.3 (MANE Select); coding-DNA position 1191, C replaced by T.
Protein change: p.Ser397=; no amino-acid change (serine 397 retained).
Molecular consequence: synonymous variant.
Genome position (GRCh38, 1-based): chr1:201,084,991, G>A on the plus strand (C>T on the coding strand, the complement: CACNA1S is on the minus strand). VCF-style: chr1-201084991-G-A. GRCh37 (hg19) VCF-style: chr1-201054119-G-A.
Identifiers: ClinVar variation 4756512 (VCV004756512.2).